The following is an entry in ClinVar:

ClinVar aggregate classification (germline): Uncertain significance (1 of 4 stars; one submission).

gnomAD v4.1: 1 of 1,614,046 alleles (0.000062%); highest among the groups gnomAD compares: East Asian, 0.0022%; no homozygotes.

Submission:

Labcorp Genetics (formerly Invitae), Labcorp
Classification: Uncertain significance. Last evaluated: 2025-08-09. Review status: criteria provided, single submitter. Criteria: Invitae Variant Classification Sherloc (09022015). Collection method: clinical testing. Allele origin: germline.
Comment: This sequence change replaces isoleucine, which is neutral and non-polar, with valine, which is neutral and non-polar, at codon 425 of the CLCN6 protein (p.Ile425Val). This variant is present in population databases (no rsID available, gnomAD 0.006%). This variant has not been reported in the literature in individuals affected with CLCN6-related conditions. An algorithm developed to predict the effect of missense changes on protein structure and function (PolyPhen-2) suggests that this variant is likely to be tolerated. In summary, the available evidence is currently insufficient to determine the role of this variant in disease. Therefore, it has been classified as a Variant of Uncertain Significance.

NM_001286.5(CLCN6):c.1273A>G (p.Ile425Val)

Gene: CLCN6 (chloride voltage-gated channel 6; plus strand). Cytogenetic location: 1p36.22.
Variant type: single nucleotide variant.
Coding change: c.1273A>G on transcript NM_001286.5 (MANE Select); coding-DNA position 1273, A replaced by G.
Protein change: p.Ile425Val; replaces isoleucine 425 with valine.
Molecular consequence: missense variant. On other transcripts: non-coding transcript variant (1).
Genome position (GRCh38, 1-based): chr1:11,833,539, A>G. VCF-style: chr1-11833539-A-G. GRCh37 (hg19) VCF-style: chr1-11893596-A-G.
Other names: c.1207A>G, p.Ile403Val (NM_001256959.2); short protein forms I425V, I403V.
Identifiers: ClinVar variation 4725055 (VCV004725055.1).